The following is an entry in ClinVar:

ClinVar aggregate classification (germline): Benign. Review status: criteria provided, multiple submitters, no conflicts (2 of 4 stars). 3 submissions from 3 submitters: Benign (2). 1 of the submissions does not count toward it. Last evaluated 2018-04-26.

Conditions:
TLR1-related disorder. Also called: TLR1-related condition.

Allele frequency attached by ClinVar (database versions not stated): gnomAD exomes 0.00476; ExAC 0.00594; gnomAD 0.01886 and 0.02019; TOPMed 0.02135; ESP Exome Variant Server 0.02161; 1000 Genomes Project 0.02296; 1000 Genomes Project 30x 0.02405.
gnomAD v4.1: 5,582 of 1,614,102 alleles (0.35%); highest among the groups gnomAD compares: African/African-American, 6.6%; 168 homozygotes.

Submissions (3):

Labcorp Genetics (formerly Invitae), Labcorp
Classification: Benign. Last evaluated: 2018-04-26. Review status: criteria provided, single submitter. Criteria: Invitae Variant Classification Sherloc (09022015). Collection method: clinical testing. Allele origin: germline.

Breakthrough Genomics
Classification: Benign. Review status: criteria provided, single submitter. Criteria: ACMG Guidelines, 2015. Collection method: not provided. Allele origin: germline. Inheritance: Unknown mechanism. Affected: yes.

PreventionGenetics, part of Exact Sciences
Classification: Benign for TLR1-related condition. Last evaluated: 2023-04-24. Review status: no assertion criteria provided. Collection method: clinical testing. Allele origin: germline. Not counted in ClinVar's aggregate classification.
Comment: This variant is classified as benign based on ACMG/AMP sequence variant interpretation guidelines (Richards et al. 2015 PMID: 25741868, with internal and published modifications).

NM_003263.4(TLR1):c.1054C>A (p.His352Asn)

Gene: TLR1 (toll like receptor 1; minus strand). Cytogenetic location: 4p14.
Variant type: single nucleotide variant.
Coding change: c.1054C>A on transcript NM_003263.4 (MANE Select); coding-DNA position 1054, C replaced by A.
Protein change: p.His352Asn; replaces histidine 352 with asparagine.
Molecular consequence: missense variant.
Genome position (GRCh38, 1-based): chr4:38,797,778, G>T on the plus strand (C>A on the coding strand, the complement: TLR1 is on the minus strand). VCF-style: chr4-38797778-G-T. GRCh37 (hg19) VCF-style: chr4-38799399-G-T.
Other names: short protein forms H352N.
Identifiers: ClinVar variation 767951 (VCV000767951.6), dbSNP rs76796448, ClinGen allele CA2889424.
Genomic context (GRCh38, chr4:38,797,778, plus strand): 5'-TAAGGTGCCCACAATTTTCAAAAACCGTGTCTGTTAAGAGATTATTGGAAAAATCCAAAT[G>T]CAGGAACGGGCTAATTTTGGATGGGCAAAGCATGTGGACCATGCGTGTACCAGACACTGT-3'
Protein context (NP_003254.2, residues 342-362): LCPSKISPFL[His352Asn]LDFSNNLLTD